The following is an entry in ClinVar:

ClinVar aggregate classification (germline): Likely benign. Review status: criteria provided, multiple submitters, no conflicts (2 of 4 stars). 2 submissions from 2 submitters: Likely benign (2). Last evaluated 2025-09-01.

Allele frequency attached by ClinVar (database versions not stated): ExAC 0.00002; TOPMed 0.00003; gnomAD 0.00004; gnomAD exomes 0.00006.
gnomAD v4.1: 103 of 1,614,106 alleles (0.0064%); highest among the groups gnomAD compares: Non-Finnish European, 0.0081%; no homozygotes.

Submissions (2):

CeGaT Center for Human Genetics Tuebingen
Classification: Likely benign. Last evaluated: 2025-09-01. Review status: criteria provided, single submitter. Criteria: CeGaT Center For Human Genetics Tuebingen Variant Classification Criteria Version 2. Collection method: clinical testing. Allele origin: germline. Affected: yes. Observed: 1 variant allele.
Comment: NDUFB9: BP4, BP7

Labcorp Genetics (formerly Invitae), Labcorp
Classification: Likely benign. Last evaluated: 2023-12-13. Review status: criteria provided, single submitter. Criteria: Invitae Variant Classification Sherloc (09022015). Collection method: clinical testing. Allele origin: germline.

NM_005005.3(NDUFB9):c.225G>A (p.Gln75=)

Gene: NDUFB9 (NADH:ubiquinone oxidoreductase subunit B9; plus strand). Cytogenetic location: 8q24.13.
Variant type: single nucleotide variant.
Coding change: c.225G>A on transcript NM_005005.3 (MANE Select); coding-DNA position 225, G replaced by A.
Protein change: p.Gln75=; no amino-acid change (glutamine 75 retained).
Molecular consequence: synonymous variant.
Genome position (GRCh38, 1-based): chr8:124,543,210, G>A. VCF-style: chr8-124543210-G-A. GRCh37 (hg19) VCF-style: chr8-125555451-G-A.
Other names: c.57G>A, p.Gln19= (NM_001278645.2); c.96G>A, p.Gln32= (NM_001278646.2); c.192G>A, p.Gln64= (NM_001311168.2).
Identifiers: ClinVar variation 2908267 (VCV002908267.10), dbSNP rs200253459, ClinGen allele CA4871497.